The following is an entry in ClinVar:

NM_006206.6(PDGFRA):c.3090GGA[4] (p.Glu1032dup)

Gene: PDGFRA (platelet derived growth factor receptor alpha; plus strand). Cytogenetic location: 4q12.
Variant type: Microsatellite.
Coding change: c.3090GGA[4] on transcript NM_006206.6 (MANE Select); four copies in a row of the 3-base unit GGA starting at c.3090; the reference has three copies in a row; one copy, 3 bases duplicated.
Protein change: p.Glu1032dup; duplicates glutamic acid 1032.
Molecular consequence: inframe insertion.
Genome position (GRCh38, 1-based): chr4:54,290,528-54,290,530, GGA duplicated; duplicating any 3 consecutive bases within chr4:54,290,520-54,290,530 gives the same sequence; the position shown is the placement nearest the transcript's 3' end. VCF-style (leftmost placement, unchanged base first): chr4-54290519-T-TGAG. GRCh37 (hg19) VCF-style: chr4-55156686-T-TGAG.
Other names: c.3165GGA[4], p.Glu1057dup (NM_001347828.2); c.3090GGA[4], p.Glu1032dup (NM_001347829.2); c.3129GGA[4], p.Glu1045dup (NM_001347830.2).
Identifiers: ClinVar variation 459088 (VCV000459088.9), dbSNP rs1553906686, ClinGen allele CA658655847.
Genomic context (GRCh38, chr4:54,290,519, plus strand): 5'-GCAGAGACTGAGCGCTGACAGTGGCTACATCATTCCTCTGCCTGACATTGACCCTGTCCC[T>TGAG]GAGGAGGAGGACCTGGGCAAGAGGAACAGACACAGGTAGCTGTGGGGGCAGCCTCGGTGT-3'

ClinVar aggregate classification (germline): Uncertain significance (1 of 4 stars; one submission).

Conditions:
Gastrointestinal stromal tumor. Also called: Gastrointestinal stroma tumor; Gastrointestinal stromal tumor, somatic. Identifiers: Orphanet 44890, MedGen C0238198, MeSH D046152, MONDO:0011719, OMIM 606764, HP:0100723.

Submission:

Labcorp Genetics (formerly Invitae), Labcorp
Classification: Uncertain significance for Gastrointestinal stromal tumor. Last evaluated: 2025-09-09. Review status: criteria provided, single submitter. Criteria: Invitae Variant Classification Sherloc (09022015). Collection method: clinical testing. Allele origin: germline.
Comment: This variant, c.3096_3098dup, results in the insertion of 1 amino acid(s) of the PDGFRA protein (p.Glu1032dup), but otherwise preserves the integrity of the reading frame. This variant is not present in population databases (gnomAD no frequency). This variant has not been reported in the literature in individuals affected with PDGFRA-related conditions. Experimental studies and prediction algorithms are not available or were not evaluated, and the functional significance of this variant is currently unknown. In summary, the available evidence is currently insufficient to determine the role of this variant in disease. Therefore, it has been classified as a Variant of Uncertain Significance.